The following is an entry in ClinVar:

NM_003872.3(NRP2):c.1057C>T (p.Gln353Ter)

Gene: NRP2 (neuropilin 2; plus strand). Cytogenetic location: 2q33.3.
Variant type: single nucleotide variant.
Coding change: c.1057C>T on transcript NM_003872.3 (MANE Select); coding-DNA position 1057, C replaced by T.
Protein change: p.Gln353Ter; replaces glutamine 353 with a stop codon.
Molecular consequence: nonsense.
Genome position (GRCh38, 1-based): chr2:205,727,957, C>T. VCF-style: chr2-205727957-C-T. GRCh37 (hg19) VCF-style: chr2-206592681-C-T.
Other names: c.1057C>T, p.Gln353Ter (NM_201266.2, NM_201267.2, NM_201279.2 and 2 more transcripts); short protein forms Q353*.
Identifiers: ClinVar variation 4978621 (VCV004978621.1).

ClinVar aggregate classification (germline): Uncertain significance (1 of 4 stars; one submission).

Conditions:
NRP2-related disorder. Also called: NRP2-related condition.

gnomAD v4.1: 2 of 1,614,052 alleles (0.00012%); highest among the groups gnomAD compares: Non-Finnish European, 0.00017%; no homozygotes.

Submission:

PreventionGenetics, part of Exact Sciences
Classification: Uncertain significance for NRP2-related condition. Last evaluated: 2026-07-14. Review status: criteria provided, single submitter. Criteria: ACMG Guidelines, 2015. Collection method: clinical testing. Allele origin: germline.
Comment: The NRP2 c.1057C>T variant is predicted to result in premature protein termination (p.Gln353*). To our knowledge, this variant has not been reported in the literature or in a large population database (gnomAD), indicating this variant is rare. Loss of function has not been conclusively established as a mechanism for NRP2-related disorders. At this time, the clinical significance of this variant is uncertain due to the absence of conclusive functional and genetic evidence.